The following is an entry in ClinVar:

NM_002972.4(SBF1):c.4129A>G (p.Ile1377Val)

Gene: SBF1 (SET binding factor 1; minus strand). Cytogenetic location: 22q13.33.
Variant type: single nucleotide variant.
Coding change: c.4129A>G on transcript NM_002972.4 (MANE Select); coding-DNA position 4129, A replaced by G.
Protein change: p.Ile1377Val; replaces isoleucine 1377 with valine.
Molecular consequence: missense variant.
Genome position (GRCh38, 1-based): chr22:50,456,353, T>C on the plus strand (A>G on the coding strand, the complement: SBF1 is on the minus strand). VCF-style: chr22-50456353-T-C. GRCh37 (hg19) VCF-style: chr22-50894782-T-C.
Other names: c.4129A>G (NM_002972.3, NM_002972.2); c.4054A>G, p.Ile1352Val (NM_001365819.1); short protein forms I1352V, I1377V.
Identifiers: ClinVar variation 1370708 (VCV001370708.8), dbSNP rs754252298, ClinGen allele CA10316373.

ClinVar aggregate classification (germline): Uncertain significance. Review status: criteria provided, multiple submitters, no conflicts (2 of 4 stars). 4 submissions from 4 submitters: Uncertain significance (4). Last evaluated 2025-09-20.

Conditions:
SBF1-related disorder. Also called: SBF1-related condition.

Allele frequency attached by ClinVar (database versions not stated): gnomAD exomes 0.00001 and 0.00004; TOPMed 0.00002; ExAC 0.00003.
gnomAD v4.1: 21 of 1,613,262 alleles (0.0013%); highest among the groups gnomAD compares: Admixed American, 0.02%; no homozygotes.

Submissions (4):

PreventionGenetics, part of Exact Sciences
Classification: Uncertain significance for SBF1-related condition. Last evaluated: 2025-09-20. Review status: criteria provided, single submitter. Criteria: ACMG Guidelines, 2015. Collection method: clinical testing. Allele origin: germline.
Comment: The SBF1 c.4129A>G variant is predicted to result in the amino acid substitution p.Ile1377Val. To our knowledge, this variant has not been reported in the literature. This variant is reported in 0.029% of alleles in individuals of Latino descent in gnomAD. At this time, the clinical significance of this variant is uncertain due to the absence of conclusive functional and genetic evidence.

Ambry Genetics
Classification: Uncertain significance. Last evaluated: 2024-11-11. Review status: criteria provided, single submitter. Criteria: Ambry Variant Classification Scheme 2023. Collection method: clinical testing. Allele origin: germline.

GeneDx
Classification: Uncertain significance. Last evaluated: 2024-05-14. Review status: criteria provided, single submitter. Criteria: GeneDx Variant Classification Process June 2021. Collection method: clinical testing. Allele origin: germline. Affected: yes.
Comment: In silico analysis indicates that this missense variant does not alter protein structure/function; Has not been previously published as pathogenic or benign to our knowledge

Labcorp Genetics (formerly Invitae), Labcorp
Classification: Uncertain significance. Last evaluated: 2022-07-26. Review status: criteria provided, single submitter. Criteria: Invitae Variant Classification Sherloc (09022015). Collection method: clinical testing. Allele origin: germline.
Comment: This sequence change replaces isoleucine, which is neutral and non-polar, with valine, which is neutral and non-polar, at codon 1377 of the SBF1 protein (p.Ile1377Val). This variant is present in population databases (rs754252298, gnomAD 0.03%). This variant has not been reported in the literature in individuals affected with SBF1-related conditions. ClinVar contains an entry for this variant (Variation ID: 1370708). Algorithms developed to predict the effect of missense changes on protein structure and function (SIFT, PolyPhen-2, Align-GVGD) all suggest that this variant is likely to be tolerated. In summary, the available evidence is currently insufficient to determine the role of this variant in disease. Therefore, it has been classified as a Variant of Uncertain Significance.